The following is an entry in ClinVar:

NM_199420.4(POLQ):c.621G>A (p.Met207Ile)

Gene: POLQ (DNA polymerase theta; minus strand). Cytogenetic location: 3q13.33.
Variant type: single nucleotide variant.
Coding change: c.621G>A on transcript NM_199420.4 (MANE Select); coding-DNA position 621, G replaced by A.
Protein change: p.Met207Ile; replaces methionine 207 with isoleucine.
Molecular consequence: missense variant.
Genome position (GRCh38, 1-based): chr3:121,539,443, C>T on the plus strand (G>A on the coding strand, the complement: POLQ is on the minus strand). VCF-style: chr3-121539443-C-T. GRCh37 (hg19) VCF-style: chr3-121258290-C-T.
Other names: short protein forms M207I.
Identifiers: ClinVar variation 3230097 (VCV003230097.1), dbSNP rs2048473370, ClinGen allele CA354090994.

ClinVar aggregate classification (germline): Uncertain significance (1 of 4 stars; one submission).

Submission:

Ambry Genetics
Classification: Uncertain significance. Last evaluated: 2023-12-29. Review status: criteria provided, single submitter. Criteria: Ambry Variant Classification Scheme 2023. Collection method: clinical testing. Allele origin: germline.
Comment: The p.M207I variant (also known as c.621G>A), located in coding exon 4 of the POLQ gene, results from a G to A substitution at nucleotide position 621. The methionine at codon 207 is replaced by isoleucine, an amino acid with highly similar properties. This amino acid position is conserved. In addition, this alteration is predicted to be tolerated by in silico analysis. Since supporting evidence is limited at this time, the clinical significance of this alteration remains unclear.